The following is an entry in ClinVar:

ClinVar aggregate classification (germline): Benign. Review status: criteria provided, multiple submitters, no conflicts (2 of 4 stars). 3 submissions from 2 submitters: Benign (3). Last evaluated 2018-01-13.

Conditions:
Long QT syndrome 5 (LQT5). Identifiers: Orphanet 101016, Orphanet 768, MedGen C1867904, MONDO:0013372, OMIM 613695.
Jervell and Lange-Nielsen syndrome 2 (JLNS2). Identifiers: Orphanet 768, Orphanet 90647, MedGen C2676723, MONDO:0012871, OMIM 612347.

Allele frequency attached by ClinVar (database versions not stated): gnomAD exomes 0.00136; gnomAD 0.01652 and 0.01784; 1000 Genomes Project 30x 0.01796; TOPMed 0.01852; 1000 Genomes Project 0.01857.
gnomAD v4.1: 3,676 of 985,560 alleles (0.37%); highest among the groups gnomAD compares: African/African-American, 5.9%; 101 homozygotes.

Submissions (3):

Illumina Laboratory Services, Illumina
Classification: Benign for Jervell and Lange-Nielsen syndrome 2. Last evaluated: 2018-01-13. Review status: criteria provided, single submitter. Criteria: ICSL Variant Classification Criteria 13 December 2019. Collection method: clinical testing. Allele origin: germline.
Comment: This variant was observed in the ICSL laboratory as part of a predisposition screen in an ostensibly healthy population. It had not been previously curated by ICSL or reported in the Human Gene Mutation Database (HGMD: prior to June 1st, 2018), and was therefore a candidate for classification through an automated scoring system. Utilizing variant allele frequency, disease prevalence and penetrance estimates, and inheritance mode, an automated score was calculated to assess if this variant is too frequent to cause the disease. Based on the score and internal cut-off values, a variant classified as benign is not then subjected to further curation. The score for this variant resulted in a classification of benign for this disease.

Illumina Laboratory Services, Illumina
Classification: Benign for Long QT syndrome 5. Last evaluated: 2018-01-13. Review status: criteria provided, single submitter. Criteria: ICSL Variant Classification Criteria 13 December 2019. Collection method: clinical testing. Allele origin: germline.
Comment: the same text as in the submission from Illumina Laboratory Services, Illumina above.

GeneDx
Classification: Benign. Last evaluated: 2015-03-03. Review status: criteria provided, single submitter. Criteria: GeneDx Variant Classification Process June 2021. Collection method: clinical testing. Allele origin: germline. Affected: yes.

NM_000219.6(KCNE1):c.-375A>G

Gene: KCNE1 (potassium voltage-gated channel subfamily E regulatory subunit 1; minus strand). Cytogenetic location: 21q22.12.
Variant type: single nucleotide variant.
Coding change: c.-375A>G on transcript NM_000219.6 (MANE Select); 375 bases upstream of the start codon, A replaced by G.
Molecular consequence: 5 prime UTR variant.
Genome position (GRCh38, 1-based): chr21:34,511,314, T>C on the plus strand (A>G on the coding strand, the complement: KCNE1 is on the minus strand). VCF-style: chr21-34511314-T-C. GRCh37 (hg19) VCF-style: chr21-35883612-T-C.
Other names: c.-375A>G (NM_001270402.3); c.-347A>G (NM_001270403.2); c.-264A>G (NM_001270404.3).
Identifiers: ClinVar variation 339782 (VCV000339782.8), dbSNP rs41315349, ClinGen allele CA10652897.
Genomic context (GRCh38, chr21:34,511,314, plus strand): 5'-TCCAGGCCATGCCATTCAACGCCCTCCAGGACAGGCCGAAGGGCTTGTCTGTTTGGTGGT[T>C]GCTAAGGTTTGAAAAAAGCCAGCTGGAAACTTAATCCCCAAAGCAACAGTGTTGGGAGGT-3'